The following is an entry in ClinVar:

NM_000051.4(ATM):c.4328A>G (p.His1443Arg)

Gene: ATM (ATM serine/threonine kinase; plus strand). Cytogenetic location: 11q22.3.
Variant type: single nucleotide variant.
Coding change: c.4328A>G on transcript NM_000051.4 (MANE Select); coding-DNA position 4328, A replaced by G.
Protein change: p.His1443Arg; replaces histidine 1443 with arginine.
Molecular consequence: missense variant.
Genome position (GRCh38, 1-based): chr11:108,289,693, A>G. VCF-style: chr11-108289693-A-G. GRCh37 (hg19) VCF-style: chr11-108160420-A-G.
Other names: c.4328A>G, p.His1443Arg (NM_001351834.2); short protein forms H1443R.
Identifiers: ClinVar variation 1739740 (VCV001739740.2), dbSNP rs2135762131, ClinGen allele CA382531886.

ClinVar aggregate classification (germline): Uncertain significance (1 of 4 stars; one submission).

Conditions:
Hereditary cancer-predisposing syndrome. Also called: Hereditary Cancer Syndrome; Hereditary neoplastic syndrome; Neoplastic Syndromes, Hereditary; Tumor predisposition. Identifiers: Orphanet 140162, MedGen C0027672, MeSH D009386, MONDO:0015356.

Submission:

Ambry Genetics
Classification: Uncertain significance for Hereditary cancer-predisposing syndrome. Last evaluated: 2021-01-28. Review status: criteria provided, single submitter. Criteria: Ambry Variant Classification Scheme 2023. Collection method: clinical testing. Allele origin: germline.
Comment: The p.H1443R variant (also known as c.4328A>G), located in coding exon 28 of the ATM gene, results from an A to G substitution at nucleotide position 4328. The histidine at codon 1443 is replaced by arginine, an amino acid with highly similar properties. This amino acid position is well conserved in available vertebrate species. In addition, the in silico prediction for this alteration is inconclusive. Since supporting evidence is limited at this time, the clinical significance of this alteration remains unclear.